The following is an entry in ClinVar:

ClinVar aggregate classification (germline): Conflicting classifications of pathogenicity. Review status: criteria provided, conflicting classifications (1 of 4 stars). 2 submissions from 2 submitters: Uncertain significance (1); Likely benign (1). Last evaluated 2023-10-10.

Conditions:
Hereditary cancer-predisposing syndrome. Also called: Tumor predisposition; Hereditary neoplastic syndrome; Neoplastic Syndromes, Hereditary; Hereditary Cancer Syndrome. Identifiers: Orphanet 140162, MedGen C0027672, MeSH D009386, MONDO:0015356.
Hereditary breast ovarian cancer syndrome. Also called: BRCA1- and BRCA2-Associated Hereditary Breast and Ovarian Cancer; Hereditary breast and ovarian cancer; Hereditary breast and/or ovarian cancer syndrome; Hereditary breast and ovarian cancer syndrome; Hereditary breast and ovarian cancer syndrome (HBOC); Breast and ovarian cancer. Identifiers: Orphanet 145, MedGen C0677776, MeSH D061325, MONDO:0003582. Disease mechanism: loss of function.

Submissions (2):

Ambry Genetics
Classification: Likely benign for Hereditary cancer-predisposing syndrome. Last evaluated: 2023-10-10. Review status: criteria provided, single submitter. Criteria: Ambry Variant Classification Scheme 2023. Collection method: clinical testing. Allele origin: germline.

Labcorp Genetics (formerly Invitae), Labcorp
Classification: Uncertain significance for Hereditary breast ovarian cancer syndrome. Last evaluated: 2020-12-22. Review status: criteria provided, single submitter. Criteria: Invitae Variant Classification Sherloc (09022015). Collection method: clinical testing. Allele origin: germline.
Comment: In summary, the available evidence is currently insufficient to determine the role of this variant in disease. Therefore, it has been classified as a Variant of Uncertain Significance. Advanced modeling of protein sequence and biophysical properties (such as structural, functional, and spatial information, amino acid conservation, physicochemical variation, residue mobility, and thermodynamic stability) performed at Invitae indicates that this missense variant is not expected to disrupt BRCA2 protein function. This variant has not been reported in the literature in individuals with BRCA2-related conditions. This variant is not present in population databases (ExAC no frequency). This sequence change replaces isoleucine with leucine at codon 3224 of the BRCA2 protein (p.Ile3224Leu). The isoleucine residue is weakly conserved and there is a small physicochemical difference between isoleucine and leucine.

NM_000059.4(BRCA2):c.9670A>C (p.Ile3224Leu)

Gene: BRCA2 (BRCA2 DNA repair associated; plus strand). Cytogenetic location: 13q13.1.
Variant type: single nucleotide variant.
Coding change: c.9670A>C on transcript NM_000059.4 (MANE Select); coding-DNA position 9670, A replaced by C.
Protein change: p.Ile3224Leu; replaces isoleucine 3224 with leucine.
Molecular consequence: missense variant.
Genome position (GRCh38, 1-based): chr13:32,398,183, A>C. VCF-style: chr13-32398183-A-C. GRCh37 (hg19) VCF-style: chr13-32972320-A-C.
Other names: c.9670A>C (NM_000059.3); short protein forms I3224L.
Identifiers: ClinVar variation 1358668 (VCV001358668.9), dbSNP rs374321381, ClinGen allele CA387765181.